The following is an entry in ClinVar:

ClinVar aggregate classification (germline): Uncertain significance (1 of 4 stars; one submission).

Allele frequency attached by ClinVar (database versions not stated): gnomAD exomes below 0.00001.
gnomAD v4.1: 1 of 1,614,158 alleles (0.000062%); highest among the groups gnomAD compares: Non-Finnish European, 0.000085%; no homozygotes.

Submission:

CeGaT Center for Human Genetics Tuebingen
Classification: Uncertain significance. Last evaluated: 2023-08-01. Review status: criteria provided, single submitter. Criteria: CeGaT Center For Human Genetics Tuebingen Variant Classification Criteria Version 2. Collection method: clinical testing. Allele origin: germline. Affected: yes. Observed: 1 variant allele.
Comment: WAC: PM2

NM_016628.5(WAC):c.208A>G (p.Ser70Gly)

Gene: WAC (WW domain containing adaptor with coiled-coil; plus strand). Cytogenetic location: 10p12.1.
Variant type: single nucleotide variant.
Coding change: c.208A>G on transcript NM_016628.5 (MANE Select); coding-DNA position 208, A replaced by G.
Protein change: p.Ser70Gly; replaces serine 70 with glycine.
Molecular consequence: missense variant.
Genome position (GRCh38, 1-based): chr10:28,535,691, A>G. VCF-style: chr10-28535691-A-G. GRCh37 (hg19) VCF-style: chr10-28824620-A-G.
Other names: c.73A>G, p.Ser25Gly (NM_100264.3); c.208A>G, p.Ser70Gly (NM_100486.4); short protein forms S25G, S70G.
Identifiers: ClinVar variation 2640383 (VCV002640383.24), dbSNP rs1836613575, ClinGen allele CA376493721.